The following is an entry in ClinVar:

ClinVar aggregate classification (germline): Uncertain significance (1 of 4 stars; one submission).

gnomAD v4.1: 1 of 1,614,242 alleles (0.000062%); highest among the groups gnomAD compares: Non-Finnish European, 0.000085%; no homozygotes.

Submission:

Ambry Genetics
Classification: Uncertain significance. Last evaluated: 2024-05-25. Review status: criteria provided, single submitter. Criteria: Ambry Variant Classification Scheme 2023. Collection method: clinical testing. Allele origin: germline.
Comment: The p.N732S variant (also known as c.2195A>G), located in coding exon 4 of the ALPK2 gene, results from an A to G substitution at nucleotide position 2195. The asparagine at codon 732 is replaced by serine, an amino acid with highly similar properties. This amino acid position is conserved. In addition, this alteration is predicted to be tolerated by in silico analysis. Based on the available evidence, the clinical significance of this variant remains unclear.

NM_052947.4(ALPK2):c.2195A>G (p.Asn732Ser)

Gene: ALPK2 (alpha kinase 2; minus strand). Cytogenetic location: 18q21.31.
Variant type: single nucleotide variant.
Coding change: c.2195A>G on transcript NM_052947.4 (MANE Select); coding-DNA position 2195, A replaced by G.
Protein change: p.Asn732Ser; replaces asparagine 732 with serine.
Molecular consequence: missense variant.
Genome position (GRCh38, 1-based): chr18:58,537,992, T>C on the plus strand (A>G on the coding strand, the complement: ALPK2 is on the minus strand). VCF-style: chr18-58537992-T-C. GRCh37 (hg19) VCF-style: chr18-56205224-T-C.
Other names: short protein forms N732S.
Identifiers: ClinVar variation 3290543 (VCV003290543.1).
Genomic context (GRCh38, chr18:58,537,992, plus strand): 5'-GACATAGTCTCATCATTGGCTTCTGAGATGCTCTGCTCATATTTTAGGTCTTCCCTGAAA[T>C]TGTCAGGTATGTTGCCATCTCTGTCTTGTTTTTCTTCATGCTGTGGACCACAGGTACAGG-3'
Protein context (NP_443179.3, residues 722-742): KQDRDGNIPD[Asn732Ser]FREDLKYEQS